The following is an entry in ClinVar:

NM_001197104.2(KMT2A):c.8453C>G (p.Pro2818Arg)

Gene: KMT2A (lysine methyltransferase 2A; plus strand). Cytogenetic location: 11q23.3.
Variant type: single nucleotide variant.
Coding change: c.8453C>G on transcript NM_001197104.2 (MANE Select); coding-DNA position 8453, C replaced by G.
Protein change: p.Pro2818Arg; replaces proline 2818 with arginine.
Molecular consequence: missense variant.
Genome position (GRCh38, 1-based): chr11:118,504,345, C>G. VCF-style: chr11-118504345-C-G. GRCh37 (hg19) VCF-style: chr11-118375060-C-G.
Other names: c.8543C>G, p.Pro2848Arg (NM_001412597.1); c.8444C>G, p.Pro2815Arg (NM_005933.4); short protein forms P2815R, P2818R, P2848R.
Identifiers: ClinVar variation 4094233 (VCV004094233.3).

ClinVar aggregate classification (germline): Conflicting classifications of pathogenicity. Review status: criteria provided, conflicting classifications (1 of 4 stars). 3 submissions from 3 submitters: Uncertain significance (2); Likely benign (1). Last evaluated 2025-10-09.

Conditions:
Inborn genetic diseases. Identifiers: MedGen C0950123, MeSH D030342.

gnomAD v4.1: 2 of 1,613,994 alleles (0.00012%); highest among the groups gnomAD compares: African/African-American, 0.0013%; no homozygotes.

Submissions (3):

Labcorp Genetics (formerly Invitae), Labcorp
Classification: Uncertain significance. Last evaluated: 2025-10-09. Review status: criteria provided, single submitter. Criteria: Invitae Variant Classification Sherloc (09022015). Collection method: clinical testing. Allele origin: germline.
Comment: This sequence change replaces proline, which is neutral and non-polar, with arginine, which is basic and polar, at codon 2818 of the KMT2A protein (p.Pro2818Arg). This variant is present in population databases (rs781858437, gnomAD no frequency). This variant has not been reported in the literature in individuals affected with KMT2A-related conditions. Invitae Evidence Modeling of protein sequence and biophysical properties (such as structural, functional, and spatial information, amino acid conservation, physicochemical variation, residue mobility, and thermodynamic stability) indicates that this missense variant is not expected to disrupt KMT2A protein function with a negative predictive value of 95%. In summary, the available evidence is currently insufficient to determine the role of this variant in disease. Therefore, it has been classified as a Variant of Uncertain Significance.

Ambry Genetics
Classification: Uncertain significance for Inborn genetic diseases. Last evaluated: 2025-08-10. Review status: criteria provided, single submitter. Criteria: Ambry Variant Classification Scheme 2023. Collection method: clinical testing. Allele origin: germline.

Blueprint Genetics
Classification: Likely benign. Last evaluated: 2020-01-23. Review status: criteria provided, single submitter. Criteria: ACMG Guidelines, 2015. Collection method: clinical testing. Allele origin: germline.